The following is an entry in ClinVar:

ClinVar aggregate classification (germline): Uncertain significance (1 of 4 stars; one submission).

Conditions:
Long chain 3-hydroxyacyl-CoA dehydrogenase deficiency. Also called: Deficiency of long-chain 3-hydroxyacyl-coenzyme A dehydrogenase; LCHAD Deficiency. Identifiers: Orphanet 5, MedGen C3711645, MONDO:0012173, OMIM 609016.
Mitochondrial trifunctional protein deficiency. Identifiers: Orphanet 746, MedGen C1969443, MONDO:0012172.

Allele frequency attached by ClinVar (database versions not stated): gnomAD 0.00001; ExAC 0.00002; TOPMed 0.00002.
gnomAD v4.1: 38 of 1,611,058 alleles (0.0024%); highest among the groups gnomAD compares: Middle Eastern, 0.017%; no homozygotes.

Submission:

Labcorp Genetics (formerly Invitae), Labcorp
Classification: Uncertain significance for Mitochondrial trifunctional protein deficiency; Long chain 3-hydroxyacyl-CoA dehydrogenase deficiency. Last evaluated: 2022-03-26. Review status: criteria provided, single submitter. Criteria: Invitae Variant Classification Sherloc (09022015). Collection method: clinical testing. Allele origin: germline.
Comment: This sequence change replaces valine, which is neutral and non-polar, with isoleucine, which is neutral and non-polar, at codon 89 of the HADHA protein (p.Val89Ile). This variant is present in population databases (rs752186772, gnomAD 0.003%). This variant has not been reported in the literature in individuals affected with HADHA-related conditions. Advanced modeling of protein sequence and biophysical properties (such as structural, functional, and spatial information, amino acid conservation, physicochemical variation, residue mobility, and thermodynamic stability) performed at Invitae indicates that this missense variant is expected to disrupt HADHA protein function. In summary, the available evidence is currently insufficient to determine the role of this variant in disease. Therefore, it has been classified as a Variant of Uncertain Significance.

NM_000182.5(HADHA):c.265G>A (p.Val89Ile)

Gene: HADHA (hydroxyacyl-CoA dehydrogenase trifunctional multienzyme complex subunit alpha; minus strand). Cytogenetic location: 2p23.3.
Variant type: single nucleotide variant.
Coding change: c.265G>A on transcript NM_000182.5 (MANE Select); coding-DNA position 265, G replaced by A.
Protein change: p.Val89Ile; replaces valine 89 with isoleucine.
Molecular consequence: missense variant.
Genome position (GRCh38, 1-based): chr2:26,236,904, C>T on the plus strand (G>A on the coding strand, the complement: HADHA is on the minus strand). VCF-style: chr2-26236904-C-T. GRCh37 (hg19) VCF-style: chr2-26459772-C-T.
Other names: short protein forms V89I.
Identifiers: ClinVar variation 2046358 (VCV002046358.1), dbSNP rs752186772, ClinGen allele CA1559930.